The following is an entry in ClinVar:

NM_002485.5(NBN):c.2149A>T (p.Thr717Ser)

Gene: NBN (nibrin; minus strand). Cytogenetic location: 8q21.3.
Variant type: single nucleotide variant.
Coding change: c.2149A>T on transcript NM_002485.5 (MANE Select); coding-DNA position 2149, A replaced by T.
Protein change: p.Thr717Ser; replaces threonine 717 with serine.
Molecular consequence: missense variant.
Genome position (GRCh38, 1-based): chr8:89,943,288, T>A on the plus strand (A>T on the coding strand, the complement: NBN is on the minus strand). VCF-style: chr8-89943288-T-A. GRCh37 (hg19) VCF-style: chr8-90955516-T-A.
Other names: p.T717S:ACA>TCA; c.1903A>T, p.Thr635Ser (NM_001024688.3); short protein forms T717S, T635S.
Identifiers: ClinVar variation 127865 (VCV000127865.39), dbSNP rs587780093, ClinGen allele CA287919.
Genomic context (GRCh38, chr8:89,943,288, plus strand): 5'-TTTCTGGGCCTCACTTCCTACTAACCTCCATTTCCTGCCTTAGCCACTCTTCTAGTTCTG[T>A]ATTCTTTCGAGCATGATGAGCTATTAGATCTGATCCTCCAATGATGTGTGGAAGTTTTCC-3'
Protein context (NP_002476.2, residues 707-727): DLIAHHARKN[Thr717Ser]ELEEWLRQEM

ClinVar aggregate classification (germline): Uncertain significance. Review status: criteria provided, multiple submitters, no conflicts (2 of 4 stars). 12 submissions from 12 submitters: Uncertain significance (11). 1 of the submissions does not count toward it. Last evaluated 2025-09-02.

Conditions:
Microcephaly, normal intelligence and immunodeficiency (NBS). Also called: IMMUNODEFICIENCY, MICROCEPHALY, AND CHROMOSOMAL INSTABILITY; SEEMANOVA SYNDROME II; Nijmegen breakage syndrome; Microcephaly with normal intelligence immunodeficiency and lymphoreticular malignancies; Nonsyndromal microcephaly autosomal recessive with normal intelligence; Seemanova syndrome 2. Identifiers: Orphanet 647, MedGen C0398791, MONDO:0009623, OMIM 251260.
Acute lymphoid leukemia (ALL). Also called: Acute lymphoblastic leukemia; Acute lymphocytic leukemia; Lymphoblastic leukemia; Leukemia, acute lymphoblastic, somatic. Identifiers: Orphanet 513, MedGen C0023449, MONDO:0004967, OMIM 613065, HP:0006721.
Aplastic anemia. Identifiers: Orphanet 182040, Orphanet 88, MedGen C0002874, MONDO:0015909, OMIM 609135, HP:0001915.
Hereditary cancer-predisposing syndrome. Also called: Tumor predisposition; Hereditary Cancer Syndrome; Neoplastic Syndromes, Hereditary; Hereditary neoplastic syndrome. Identifiers: Orphanet 140162, MedGen C0027672, MeSH D009386, MONDO:0015356.

Allele frequency attached by ClinVar (database versions not stated): gnomAD 0.00001; TOPMed 0.00001.
gnomAD v4.1: 9 of 1,613,684 alleles (0.00056%); highest among the groups gnomAD compares: Middle Eastern, 0.033%; no homozygotes.

Submissions (12):

Institute for Biomarker Research, Medical Diagnostic Laboratories, L.L.C.
Classification: Uncertain significance for Hereditary cancer-predisposing syndrome. Last evaluated: 2025-09-02. Review status: criteria provided, single submitter. Criteria: ACMG Guidelines, 2015. Collection method: clinical testing. Allele origin: germline.
Comment: The missense variant NM_002485.5(NBN):c.2149A>T (p.Thr717Ser) has not been reported previously as a pathogenic variant nor as a benign variant, to our knowledge. The p.Thr717Ser variant is novel (not in any individuals) in gnomAD. There is a small physicochemical difference between threonine and serine, which is not likely to impact secondary protein structure as these residues share similar properties. The p.Thr717Ser variant is not predicted to introduce a novel splice site by any splice site algorithm. The p.Thr717Ser missense variant is predicted to be tolerated by both SIFT or PolyPhen2. For these reasons, this variant has been classified as Uncertain Significance.

Women's Health and Genetics/Laboratory Corporation of America, LabCorp
Classification: Uncertain significance. Last evaluated: 2025-03-14. Review status: criteria provided, single submitter. Criteria: LabCorp Variant Classification Summary - May 2015. Collection method: clinical testing. Allele origin: germline.
Comment: Variant summary: NBN c.2149A>T (p.Thr717Ser) results in a conservative amino acid change in the encoded protein sequence. Five of five in-silico tools predict a benign effect of the variant on protein function. The variant was absent in 251326 control chromosomes. The available data on variant occurrences in the general population are insufficient to allow any conclusion about variant significance. c.2149A>T has been reported in the literature in detection of variants in genes implicated in hereditary cancer predisposition (Tsaousis_2019, Belhadj_2023). These report(s) do not provide unequivocal conclusions about association of the variant with Nijmegen Breakage Syndrome. One publication reports experimental evidence evaluating an impact on protein function, however, does not allow convincing conclusions about the variant effect. The following publications have been ascertained in the context of this evaluation (PMID: 26934577, 36346689, 31159747). ClinVar contains an entry for this variant (Variation ID: 127865). Based on the evidence outlined above, the variant was classified as uncertain significance.

Labcorp Genetics (formerly Invitae), Labcorp
Classification: Uncertain significance for Microcephaly, normal intelligence and immunodeficiency. Last evaluated: 2025-01-27. Review status: criteria provided, single submitter. Criteria: Invitae Variant Classification Sherloc (09022015). Collection method: clinical testing. Allele origin: germline.
Comment: This sequence change replaces threonine, which is neutral and polar, with serine, which is neutral and polar, at codon 717 of the NBN protein (p.Thr717Ser). This variant is not present in population databases (gnomAD no frequency). This missense change has been observed in individual(s) with clinical features of NBN-related conditions (PMID: 31159747). ClinVar contains an entry for this variant (Variation ID: 127865). An algorithm developed to predict the effect of missense changes on protein structure and function (PolyPhen-2) suggests that this variant is likely to be tolerated. In summary, the available evidence is currently insufficient to determine the role of this variant in disease. Therefore, it has been classified as a Variant of Uncertain Significance.

Ambry Genetics
Classification: Uncertain significance for Hereditary cancer-predisposing syndrome. Last evaluated: 2023-01-11. Review status: criteria provided, single submitter. Criteria: Ambry Variant Classification Scheme 2023. Collection method: clinical testing. Allele origin: germline.
Comment: The p.T717S variant (also known as c.2149A>T), located in coding exon 14 of the NBN gene, results from an A to T substitution at nucleotide position 2149. The threonine at codon 717 is replaced by serine, an amino acid with similar properties. This alteration was detected in 1/5589 German BRCA1/2-negative probands with breast cancer (Hauke J et al. Cancer Med, 2018 04;7:1349-1358), as well as 1/1197 individuals from Greece, Romania, and Turkey undergoing evaluation for inherited cancer predisposition (Tsaousis GN et al. BMC Cancer, 2019 Jun;19:535). This amino acid position is not well conserved in available vertebrate species. In addition, this alteration is predicted to be tolerated by in silico analysis. Since supporting evidence is limited at this time, the clinical significance of this alteration remains unclear.

GeneDx
Classification: Uncertain significance. Last evaluated: 2022-03-18. Review status: criteria provided, single submitter. Criteria: GeneDx Variant Classification Process June 2021. Collection method: clinical testing. Allele origin: germline. Affected: yes.
Comment: Not observed in large population cohorts (gnomAD); In silico analysis supports that this missense variant does not alter protein structure/function; Observed in an individual with breast cancer (Hauke 2018); This variant is associated with the following publications: (PMID: 29522266, 31159747)

Genome-Nilou Lab
Classification: Uncertain significance for Microcephaly, normal intelligence and immunodeficiency. Last evaluated: 2021-11-07. Review status: criteria provided, single submitter. Criteria: ACMG Guidelines, 2015. Collection method: clinical testing. Allele origin: germline. Affected: no.

Genetic Services Laboratory, University of Chicago
Classification: Uncertain significance. Last evaluated: 2021-06-11. Review status: criteria provided, single submitter. Criteria: ACMG Guidelines, 2015. Collection method: clinical testing. Allele origin: germline. Affected: no.
Comment: DNA sequence analysis of the NBN gene demonstrated a sequence change, c.2149A>T, in exon 14 that results in an amino acid change, p.Thr717Ser. This sequence change has not been described in the gnomAD database. The p.Thr717Ser change affects a poorly conserved amino acid residue located in a domain of the NBN protein that is known to be functional. The p.Thr717Ser substitution appears to be benign using several in-silico pathogenicity prediction tools (SIFT, PolyPhen2, Align GVGD, REVEL). This sequence change has been reported as a variant of uncertain significance in an individual who underwent germline genetic testing based on a personal and/or family history of cancer (PMID: 31159747). Due to insufficient evidences and the lack of functional studies, the clinical significance of the p.Thr717Ser change remains unknown at this time.

Mendelics
Classification: Uncertain significance for Microcephaly, normal intelligence and immunodeficiency. Last evaluated: 2019-05-28. Review status: criteria provided, single submitter. Criteria: Mendelics Assertion Criteria 2017. Collection method: clinical testing. Allele origin: unknown.

GeneKor MSA
Classification: Uncertain significance for Hereditary cancer-predisposing syndrome. Last evaluated: 2018-08-01. Review status: criteria provided, single submitter. Criteria: ACMG Guidelines, 2015. Collection method: clinical testing. Allele origin: germline. Affected: yes.

Fulgent Genetics
Classification: Uncertain significance for Microcephaly, normal intelligence and immunodeficiency; Aplastic anemia; Acute lymphoid leukemia. Last evaluated: 2017-05-23. Review status: criteria provided, single submitter. Criteria: ACMG Guidelines, 2015. Collection method: clinical testing. Allele origin: unknown.

Breakthrough Genomics
Classification: Uncertain significance. Review status: criteria provided, single submitter. Criteria: ACMG Guidelines, 2015. Collection method: not provided. Allele origin: germline. Inheritance: Autosomal recessive inheritance. Affected: yes.

Natera, Inc.
Classification: Uncertain significance for Nijmegen breakage syndrome. Last evaluated: 2020-01-29. Review status: no assertion criteria provided. Collection method: clinical testing. Allele origin: germline. Not counted in ClinVar's aggregate classification.

Literature cited by the submitters: PubMed 26934577 (cited by Women's Health and Genetics/Laboratory Corporation of America, LabCorp); PubMed 31159747 (cited by 3 submitters); PubMed 36346689 (cited by Women's Health and Genetics/Laboratory Corporation of America, LabCorp); PubMed 29522266 (cited by Ambry Genetics).